The following is an entry in ClinVar:

ClinVar aggregate classification (germline): Uncertain significance (0 of 4 stars; one submission).

Conditions:
Nephronophthisis. Also called: Juvenile Nephronophthisis. Identifiers: Orphanet 655, MedGen C0687120, MONDO:0019005, HP:0000090.

Allele frequency attached by ClinVar (database versions not stated): gnomAD exomes below 0.00001; gnomAD 0.00001; TOPMed 0.00002.
gnomAD v4.1: 5 of 1,613,712 alleles (0.00031%); highest among the groups gnomAD compares: Middle Eastern, 0.066%; no homozygotes.

Submission:

Sydney Genome Diagnostics, Children's Hospital Westmead
Classification: Uncertain significance for Nephronophthisis. Last evaluated: 2019-08-09. Review status: no assertion criteria provided. Collection method: clinical testing. Allele origin: unknown. Affected: yes. Observed: 1 variant allele, 1 compound heterozygote.
Comment: To our knowledge, this variant has not been previously reported in the literature or any disease specific databases to be a disease causing variant. This variant has been reported in the gnomAD browser with a very low allele frequency of 0.00090% in the non-Finnish European population (1 out of 111,242 alleles). In silico analysis of pathogenicity (through Alamut Visual v2.8.1) using PolyPhen2, SIFT and MutationTaster suggest that this variant does not affect protein function and is likely to be benign. However, this analysis alone cannot be used to exclude pathogenicity. This variant is considered to be a variant of uncertain clinical significance (VOUS) according to the ACMG guidelines (PM2, BP4).

NM_133433.4(NIPBL):c.2741C>G (p.Thr914Ser)

Gene: NIPBL (NIPBL cohesin loading factor; plus strand). Cytogenetic location: 5p13.2.
Variant type: single nucleotide variant.
Coding change: c.2741C>G on transcript NM_133433.4 (MANE Select); coding-DNA position 2741, C replaced by G.
Protein change: p.Thr914Ser; replaces threonine 914 with serine.
Molecular consequence: missense variant.
Genome position (GRCh38, 1-based): chr5:36,985,921, C>G. VCF-style: chr5-36985921-C-G. GRCh37 (hg19) VCF-style: chr5-36986023-C-G.
Other names: c.2741C>G, p.Thr914Ser (NM_015384.5); short protein forms T914S.
Identifiers: ClinVar variation 988103 (VCV000988103.1), dbSNP rs1329800608, ClinGen allele CA359504588.